The following is an entry in ClinVar:

NM_001453.3(FOXC1):c.169C>T (p.Pro57Ser)

Gene: FOXC1 (forkhead box C1; plus strand). Cytogenetic location: 6p25.3.
Variant type: single nucleotide variant.
Coding change: c.169C>T on transcript NM_001453.3 (MANE Select); coding-DNA position 169, C replaced by T.
Protein change: p.Pro57Ser; replaces proline 57 with serine.
Molecular consequence: missense variant.
Genome position (GRCh38, 1-based): chr6:1,610,614, C>T. VCF-style: chr6-1610614-C-T. GRCh37 (hg19) VCF-style: chr6-1610849-C-T.
Other names: c.169C>T (NM_001453.2); short protein forms P57S.
Identifiers: ClinVar variation 1411042 (VCV001411042.9), dbSNP rs1032706802, ClinGen allele CA133389259.

ClinVar aggregate classification (germline): Uncertain significance. Review status: criteria provided, multiple submitters, no conflicts (2 of 4 stars). 3 submissions from 3 submitters: Uncertain significance (3). Last evaluated 2025-08-25.

Conditions:
Inborn genetic diseases. Identifiers: MedGen C0950123, MeSH D030342.
Axenfeld-Rieger syndrome type 3 (RIEG3). Also called: AXENFELD-RIEGER ANOMALY WITH CARDIAC DEFECTS AND/OR SENSORINEURAL HEARING LOSS. Identifiers: Orphanet 782, MedGen C2678503, MONDO:0011233, OMIM 602482.
Anterior segment dysgenesis 3 (ASGD3). Also called: Glaucoma iridogoniodysplasia, familial; IRIDOGONIODYSGENESIS ANOMALY, AUTOSOMAL DOMINANT. Identifiers: Orphanet 91483, MedGen C5975707, MONDO:0024456, OMIM 601631.

Allele frequency attached by ClinVar (database versions not stated): gnomAD 0.00002.

Submissions (3):

Ambry Genetics
Classification: Uncertain significance for Inborn genetic diseases. Last evaluated: 2025-08-25. Review status: criteria provided, single submitter. Criteria: Ambry Variant Classification Scheme 2023. Collection method: clinical testing. Allele origin: germline.

Fulgent Genetics
Classification: Uncertain significance for Anterior segment dysgenesis 3; Axenfeld-Rieger syndrome type 3. Last evaluated: 2024-04-09. Review status: criteria provided, single submitter. Criteria: ACMG Guidelines, 2015. Collection method: clinical testing. Allele origin: germline.

Labcorp Genetics (formerly Invitae), Labcorp
Classification: Uncertain significance for Axenfeld-Rieger syndrome type 3. Last evaluated: 2022-11-10. Review status: criteria provided, single submitter. Criteria: Invitae Variant Classification Sherloc (09022015). Collection method: clinical testing. Allele origin: germline.
Comment: In summary, the available evidence is currently insufficient to determine the role of this variant in disease. Therefore, it has been classified as a Variant of Uncertain Significance. Algorithms developed to predict the effect of missense changes on protein structure and function are either unavailable or do not agree on the potential impact of this missense change (SIFT: "Deleterious"; PolyPhen-2: "Benign"; Align-GVGD: "Class C65"). ClinVar contains an entry for this variant (Variation ID: 1411042). This variant has not been reported in the literature in individuals affected with FOXC1-related conditions. This variant is not present in population databases (gnomAD no frequency). This sequence change replaces proline, which is neutral and non-polar, with serine, which is neutral and polar, at codon 57 of the FOXC1 protein (p.Pro57Ser).